The following is an entry in ClinVar:

NM_003072.5(SMARCA4):c.4065G>A (p.Glu1355=)

Gene: SMARCA4 (SWI/SNF related BAF chromatin remodeling complex subunit ATPase 4; plus strand). Cytogenetic location: 19p13.2.
Variant type: single nucleotide variant.
Coding change: c.4065G>A on transcript NM_003072.5 (MANE Select); coding-DNA position 4065, G replaced by A.
Protein change: p.Glu1355=; no amino-acid change (glutamic acid 1355 retained).
Molecular consequence: synonymous variant. On other transcripts: non-coding transcript variant (1).
Genome position (GRCh38, 1-based): chr19:11,035,027, G>A. VCF-style: chr19-11035027-G-A. GRCh37 (hg19) VCF-style: chr19-11145703-G-A.
Other names: c.4065G>A, p.Glu1355= (NM_001128844.3, NM_001128849.3, NM_001387283.1); c.3966G>A, p.Glu1322= (NM_001128845.2, NM_001128846.2, NM_001128847.4 and 2 more transcripts); c.4065G>A (NM_001128849.1).
Identifiers: ClinVar variation 1631613 (VCV001631613.10), dbSNP rs2146700446, ClinGen allele CA505493384.

ClinVar aggregate classification (germline): Benign/Likely benign. Review status: criteria provided, multiple submitters, no conflicts (2 of 4 stars). 3 submissions from 3 submitters: Benign (1); Likely benign (2). Last evaluated 2026-07-17.

Conditions:
Hereditary cancer-predisposing syndrome. Also called: Neoplastic Syndromes, Hereditary; Tumor predisposition; Hereditary Cancer Syndrome; Hereditary neoplastic syndrome. Identifiers: Orphanet 140162, MedGen C0027672, MeSH D009386, MONDO:0015356.
Rhabdoid tumor predisposition syndrome 2 (RTPS2). Identifiers: Orphanet 231108, Orphanet 69077, MedGen C2750074, MONDO:0013224, OMIM 613325.

Submissions (3):

Myriad Genetics, Inc.
Classification: Benign for Rhabdoid tumor predisposition syndrome 2. Last evaluated: 2026-07-17. Review status: criteria provided, single submitter. Criteria: Myriad Autosomal Dominant, Autosomal Recessive and X-Linked Classification Criteria (2023). Collection method: clinical testing. Allele origin: unknown.
Comment: This variant is considered benign. This variant is a silent/synonymous amino acid change and it is not expected to impact splicing.

Labcorp Genetics (formerly Invitae), Labcorp
Classification: Likely benign for Rhabdoid tumor predisposition syndrome 2. Last evaluated: 2023-07-19. Review status: criteria provided, single submitter. Criteria: Invitae Variant Classification Sherloc (09022015). Collection method: clinical testing. Allele origin: germline.

Ambry Genetics
Classification: Likely benign for Hereditary cancer-predisposing syndrome. Last evaluated: 2023-02-08. Review status: criteria provided, single submitter. Criteria: Ambry Variant Classification Scheme 2023. Collection method: clinical testing. Allele origin: germline.